The following is an entry in ClinVar:

ClinVar aggregate classification (germline): Uncertain significance (1 of 4 stars; one submission).

Conditions:
Cohen syndrome (COH1). Also called: PEPPER SYNDROME; Cutis verticis gyrata, retinitis pigmentosa, and sensorineural deafness. Identifiers: Orphanet 193, MedGen C0265223, MONDO:0008999, OMIM 216550.

Submission:

Labcorp Genetics (formerly Invitae), Labcorp
Classification: Uncertain significance for Cohen syndrome. Last evaluated: 2022-02-10. Review status: criteria provided, single submitter. Criteria: Invitae Variant Classification Sherloc (09022015). Collection method: clinical testing. Allele origin: germline.
Comment: This sequence change replaces threonine with arginine at codon 928 of the VPS13B protein (p.Thr928Arg). The threonine residue is weakly conserved and there is a moderate physicochemical difference between threonine and arginine. This variant is not present in population databases (gnomAD no frequency). This variant has not been reported in the literature in individuals affected with VPS13B-related conditions. Algorithms developed to predict the effect of missense changes on protein structure and function are either unavailable or do not agree on the potential impact of this missense change (SIFT: "Not Available"; PolyPhen-2: "Probably Damaging"; Align-GVGD: "Not Available"). Algorithms developed to predict the effect of sequence changes on RNA splicing suggest that this variant may create or strengthen a splice site. In summary, the available evidence is currently insufficient to determine the role of this variant in disease. Therefore, it has been classified as a Variant of Uncertain Significance.

NM_152564.5(VPS13B):c.2783C>G (p.Thr928Arg)

Gene: VPS13B (vacuolar protein sorting 13 homolog B; plus strand). Cytogenetic location: 8q22.2.
Variant type: single nucleotide variant.
Coding change: c.2783C>G on transcript NM_152564.5 (MANE Select); coding-DNA position 2783, C replaced by G.
Protein change: p.Thr928Arg; replaces threonine 928 with arginine.
Molecular consequence: missense variant.
Genome position (GRCh38, 1-based): chr8:99,275,213, C>G. VCF-style: chr8-99275213-C-G. GRCh37 (hg19) VCF-style: chr8-100287441-C-G.
Other names: c.2783C>G, p.Thr928Arg (NM_017890.5); short protein forms T928R.
Identifiers: ClinVar variation 1481228 (VCV001481228.5), dbSNP rs1563641612, ClinGen allele CA371862760.
Genomic context (GRCh38, chr8:99,275,213, plus strand): 5'-AGTGGCTCAATGAGAGTAGAAAGCCAGAGTCTCTCTTAGCTCCAGATTTGATGGCCTTCA[C>G]AATCCAAGTTCCACAATATATTGACTACTGCCACAATTCCGGTAAGTACAAACCTATCAT-3'
Protein context (NP_689777.3, residues 918-938): SLLAPDLMAF[Thr928Arg]IQVPQYIDYC